The following is an entry in ClinVar:

ClinVar aggregate classification (germline): Uncertain significance (1 of 4 stars; one submission).

Conditions:
Inborn genetic diseases. Identifiers: MedGen C0950123, MeSH D030342.

Submission:

Ambry Genetics
Classification: Uncertain significance for Inborn genetic diseases. Last evaluated: 2025-06-01. Review status: criteria provided, single submitter. Criteria: Ambry Variant Classification Scheme 2023. Collection method: clinical testing. Allele origin: germline.
Comment: The p.A639S variant (also known as c.1915G>T), located in coding exon 13 of the MIB1 gene, results from a G to T substitution at nucleotide position 1915. The alanine at codon 639 is replaced by serine, an amino acid with similar properties. This amino acid position is conserved. In addition, this alteration is predicted to be deleterious by in silico analysis. Based on the available evidence, the clinical significance of this variant remains unclear.

NM_020774.4(MIB1):c.1915G>T (p.Ala639Ser)

Gene: MIB1 (MIB E3 ubiquitin protein ligase 1; plus strand). Cytogenetic location: 18q11.2.
Variant type: single nucleotide variant.
Coding change: c.1915G>T on transcript NM_020774.4 (MANE Select); coding-DNA position 1915, G replaced by T.
Protein change: p.Ala639Ser; replaces alanine 639 with serine.
Molecular consequence: missense variant.
Genome position (GRCh38, 1-based): chr18:21,838,450, G>T. VCF-style: chr18-21838450-G-T. GRCh37 (hg19) VCF-style: chr18-19418411-G-T.
Other names: short protein forms A639S.
Identifiers: ClinVar variation 4054654 (VCV004054654.1).
Genomic context (GRCh38, chr18:21,838,450, plus strand): 5'-TTACCAAGACCATGGATTGTGGATGAGAAGAAAGATGATGGTTATACTGCCTTACATCTG[G>T]CTGCCCTTAATAATCACGTAGAAGTGGCTGAACTGTTGGTACATCAGGTAAGAAAAGAGT-3'
Protein context (NP_065825.1, residues 629-649): KDDGYTALHL[Ala639Ser]ALNNHVEVAE